The following is an entry in ClinVar:

ClinVar aggregate classification (germline): Uncertain significance. Review status: criteria provided, multiple submitters, no conflicts (2 of 4 stars). 2 submissions from 2 submitters: Uncertain significance (2). Last evaluated 2024-12-30.

Conditions:
Inborn genetic diseases. Identifiers: MedGen C0950123, MeSH D030342.
Intellectual disability, autosomal recessive 53 (NEDHSCA). Also called: NEURODEVELOPMENTAL DISORDER WITH OR WITHOUT HYPOTONIA, SEIZURES, AND CEREBELLAR ATROPHY; GLYCOSYLPHOSPHATIDYLINOSITOL BIOSYNTHESIS DEFECT 13; Mental retardation, autosomal recessive 53. Identifiers: Orphanet 488635, MedGen C4310794, MONDO:0014832, OMIM 616917.

Submissions (2):

Ambry Genetics
Classification: Uncertain significance for Inborn genetic diseases. Last evaluated: 2024-12-30. Review status: criteria provided, single submitter. Criteria: Ambry Variant Classification Scheme 2023. Collection method: clinical testing. Allele origin: germline.

Labcorp Genetics (formerly Invitae), Labcorp
Classification: Uncertain significance for Intellectual disability, autosomal recessive 53. Last evaluated: 2022-06-17. Review status: criteria provided, single submitter. Criteria: Invitae Variant Classification Sherloc (09022015). Collection method: clinical testing. Allele origin: germline.
Comment: In summary, the available evidence is currently insufficient to determine the role of this variant in disease. Therefore, it has been classified as a Variant of Uncertain Significance. Algorithms developed to predict the effect of missense changes on protein structure and function (SIFT, PolyPhen-2, Align-GVGD) all suggest that this variant is likely to be tolerated. This variant has not been reported in the literature in individuals affected with PIGG-related conditions. This variant is not present in population databases (gnomAD no frequency). This sequence change replaces isoleucine, which is neutral and non-polar, with methionine, which is neutral and non-polar, at codon 389 of the PIGG protein (p.Ile389Met).

NM_001127178.3(PIGG):c.1167C>G (p.Ile389Met)

Gene: PIGG (phosphatidylinositol glycan anchor biosynthesis class G (EMM blood group); plus strand). Cytogenetic location: 4p16.3.
Variant type: single nucleotide variant.
Coding change: c.1167C>G on transcript NM_001127178.3 (MANE Select); coding-DNA position 1167, C replaced by G.
Protein change: p.Ile389Met; replaces isoleucine 389 with methionine.
Molecular consequence: missense variant. On other transcripts: 5 prime UTR variant (2), non-coding transcript variant (10), intron variant (1).
Genome position (GRCh38, 1-based): chr4:521,108, C>G. VCF-style: chr4-521108-C-G. GRCh37 (hg19) VCF-style: chr4-514897-C-G.
Other names: c.900C>G, p.Ile300Met (NM_001289051.2, NM_001289053.2, NM_001345986.2 and 1 more transcripts); c.768C>G, p.Ile256Met (NM_001289052.2); c.801C>G, p.Ile267Met (NM_001289055.2); c.138C>G, p.Ile46Met (NM_001345988.2); c.1167C>G, p.Ile389Met (NM_001345989.2, NM_017733.5); c.-321C>G (NM_001345990.2, NM_001345991.2); c.93C>G, p.Ile31Met (NM_001345994.2); c.848-552C>G (NM_001289057.2); and 1 more; short protein forms I256M, I389M, I31M, I46M, I267M, I300M.
Identifiers: ClinVar variation 1946662 (VCV001946662.6), dbSNP rs1453400174, ClinGen allele CA355903693.